The following is an entry in ClinVar:

NM_014319.5(LEMD3):c.709C>T (p.Pro237Ser)

Gene: LEMD3 (LEM domain containing 3; plus strand). Cytogenetic location: 12q14.3.
Variant type: single nucleotide variant.
Coding change: c.709C>T on transcript NM_014319.5 (MANE Select); coding-DNA position 709, C replaced by T.
Protein change: p.Pro237Ser; replaces proline 237 with serine.
Molecular consequence: missense variant.
Genome position (GRCh38, 1-based): chr12:65,170,305, C>T. VCF-style: chr12-65170305-C-T. GRCh37 (hg19) VCF-style: chr12-65564085-C-T.
Other names: c.709C>T, p.Pro237Ser (NM_001167614.2); short protein forms P237S.
Identifiers: ClinVar variation 3014761 (VCV003014761.3), dbSNP rs755095379, ClinGen allele CA6670746.

ClinVar aggregate classification (germline): Uncertain significance (1 of 4 stars; one submission).

Allele frequency attached by ClinVar (database versions not stated): gnomAD 0.00002; ExAC 0.00003.
gnomAD v4.1: 46 of 1,586,324 alleles (0.0029%); highest among the groups gnomAD compares: Non-Finnish European, 0.0037%; no homozygotes.

Submission:

Labcorp Genetics (formerly Invitae), Labcorp
Classification: Uncertain significance. Last evaluated: 2024-11-21. Review status: criteria provided, single submitter. Criteria: Invitae Variant Classification Sherloc (09022015). Collection method: clinical testing. Allele origin: germline.
Comment: This sequence change replaces proline, which is neutral and non-polar, with serine, which is neutral and polar, at codon 237 of the LEMD3 protein (p.Pro237Ser). This variant is present in population databases (rs755095379, gnomAD 0.004%). This variant has not been reported in the literature in individuals affected with LEMD3-related conditions. ClinVar contains an entry for this variant (Variation ID: 3014761). Invitae Evidence Modeling of protein sequence and biophysical properties (such as structural, functional, and spatial information, amino acid conservation, physicochemical variation, residue mobility, and thermodynamic stability) indicates that this missense variant is not expected to disrupt LEMD3 protein function with a negative predictive value of 80%. In summary, the available evidence is currently insufficient to determine the role of this variant in disease. Therefore, it has been classified as a Variant of Uncertain Significance.